The following is an entry in ClinVar:

NM_020975.6(RET):c.2485A>G (p.Ser829Gly)

Gene: RET (ret proto-oncogene; plus strand). Cytogenetic location: 10q11.21.
Variant type: single nucleotide variant.
Coding change: c.2485A>G on transcript NM_020975.6 (MANE Select); coding-DNA position 2485, A replaced by G.
Protein change: p.Ser829Gly; replaces serine 829 with glycine.
Molecular consequence: missense variant.
Genome position (GRCh38, 1-based): chr10:43,119,623, A>G. VCF-style: chr10-43119623-A-G. GRCh37 (hg19) VCF-style: chr10-43615071-A-G.
Other names: c.2485A>G, p.Ser829Gly (NM_000323.2, NM_001406743.1, NM_001406744.1 and 4 more transcripts); c.1723A>G, p.Ser575Gly (NM_001355216.2); c.2089A>G, p.Ser697Gly (NM_001406769.1, NM_001406772.1); c.2197A>G, p.Ser733Gly (NM_001406770.1, NM_001406766.1, NM_001406767.1); c.2047A>G, p.Ser683Gly (NM_001406771.1, NM_001406773.1); c.1960A>G, p.Ser654Gly (NM_001406774.1); c.1759A>G, p.Ser587Gly (NM_001406775.1, NM_001406776.1, NM_001406777.1 and 1 more transcripts); c.1300A>G, p.Ser434Gly (NM_001406788.1, NM_001406789.1, NM_001406790.1); and 10 more; short protein forms S829G, S575G, S587G, S346G, S434G, S485G, S530G, S786G.
Identifiers: ClinVar variation 232162 (VCV000232162.20), dbSNP rs113005278, ClinGen allele CA039406.

ClinVar aggregate classification (germline): Conflicting classifications of pathogenicity. Review status: criteria provided, conflicting classifications (1 of 4 stars). 7 submissions from 7 submitters: Uncertain significance (6); Likely benign (1). Last evaluated 2026-07-09.

Conditions:
Pheochromocytoma. Also called: MAX-Related Hereditary Paraganglioma-Pheochromocytoma Syndrome. Identifiers: Orphanet 29072, MedGen C0031511, MONDO:0008233, OMIM 171300, HP:0002666.
Hirschsprung disease, susceptibility to, 1 (HSCR1). Also called: RET-Related Hirschsprung Disease. Identifiers: Orphanet 388, MedGen C3888239, MONDO:0007723, OMIM 142623.
Familial medullary thyroid carcinoma (MTC). Also called: Thyroid cancer, familial medullary; MTC, familial; Familial Medullary Thyroid Carcinoma (FMTC). Identifiers: Orphanet 653, Orphanet 99361, MedGen C1833921, MONDO:0007958, OMIM 155240.
Multiple endocrine neoplasia type 2B. Also called: WAGENMANN-FROBOESE SYNDROME; MULTIPLE ENDOCRINE NEOPLASIA, TYPE III; MEN 2B; MUCOSAL NEUROMA SYNDROME; MULTIPLE ENDOCRINE NEOPLASIA, TYPE IIB; MEN IIB. Identifiers: Orphanet 247709, Orphanet 653, MedGen C0025269, MeSH D018814, MONDO:0008082, OMIM 162300.
Multiple endocrine neoplasia type 2A. Also called: MULTIPLE ENDOCRINE NEOPLASIA, TYPE IIA; PTC SYNDROME; SIPPLE SYNDROME; MEN 2A; MEN-2A syndrome; Pheochromocytoma and amyloid producing medullary thyroid carcinoma. Identifiers: Orphanet 247698, Orphanet 653, MedGen C0025268, MeSH D018813, MONDO:0008234, OMIM 171400.
RET-related disorder. Also called: RET-related disorders; RET-related condition; RET-related disease.
Hereditary cancer-predisposing syndrome. Also called: Tumor predisposition; Hereditary neoplastic syndrome; Neoplastic Syndromes, Hereditary; Hereditary Cancer Syndrome. Identifiers: Orphanet 140162, MedGen C0027672, MeSH D009386, MONDO:0015356.
Multiple endocrine neoplasia, type 2 (MEN2). Identifiers: Orphanet 653, MedGen C4048306, MONDO:0019003. Disease mechanism: gain of function.

Allele frequency attached by ClinVar (database versions not stated): gnomAD 0.00001; TOPMed 0.00002; ExAC 0.00003.
gnomAD v4.1: 20 of 1,612,774 alleles (0.0012%); highest among the groups gnomAD compares: African/African-American, 0.013%; no homozygotes.

Submissions (7):

PreventionGenetics, part of Exact Sciences
Classification: Uncertain significance for RET-related condition. Last evaluated: 2026-07-09. Review status: criteria provided, single submitter. Criteria: ACMG Guidelines, 2015. Collection method: clinical testing. Allele origin: germline.
Comment: The RET c.2485A>G variant is predicted to result in the amino acid substitution p.Ser829Gly. This variant has been reported in an individual with Hirschsprung disease that harbored a second RET variant (Table 4, Núñez-Ramos et al. 2017. PubMed ID: 28276298). This variant is reported in 0.017% of alleles in individuals of Latino descent in gnomAD and is interpreted as uncertain and likely benign in ClinVar (Variation ID: 232162). At this time, the clinical significance of this variant is uncertain due to the absence of conclusive functional and genetic evidence.

Labcorp Genetics (formerly Invitae), Labcorp
Classification: Uncertain significance for Multiple endocrine neoplasia, type 2. Last evaluated: 2026-01-09. Review status: criteria provided, single submitter. Criteria: Invitae Variant Classification Sherloc (09022015). Collection method: clinical testing. Allele origin: germline.
Comment: This sequence change replaces serine, which is neutral and polar, with glycine, which is neutral and non-polar, at codon 829 of the RET protein (p.Ser829Gly). This variant is present in population databases (rs113005278, gnomAD 0.02%). This variant has not been reported in the literature in individuals affected with RET-related conditions. ClinVar contains an entry for this variant (Variation ID: 232162). An algorithm developed to predict the effect of missense changes on protein structure and function outputs the following: PolyPhen-2: "Benign". The glycine amino acid residue is found in multiple mammalian species, which suggests that this missense change does not adversely affect protein function. In summary, the available evidence is currently insufficient to determine the role of this variant in disease. Therefore, it has been classified as a Variant of Uncertain Significance.

Quest Diagnostics Nichols Institute San Juan Capistrano
Classification: Uncertain significance. Last evaluated: 2025-09-05. Review status: criteria provided, single submitter. Criteria: Quest Diagnostics criteria. Collection method: clinical testing. Allele origin: unknown.

All of Us Research Program, National Institutes of Health
Classification: Uncertain significance for Multiple endocrine neoplasia, type 2. Last evaluated: 2024-06-09. Review status: criteria provided, single submitter. Criteria: ACMG Guidelines, 2015. Collection method: clinical testing. Allele origin: germline. Inheritance: Autosomal dominant inheritance. Observed: 3 variant alleles, 3 heterozygotes.
Comment: This missense variant replaces serine with glycine at codon 829 of the RET protein. Computational prediction suggests that this variant may not impact protein structure and function (internally defined REVEL score threshold <= 0.5, PMID: 27666373). To our knowledge, functional studies have not been reported for this variant. This variant has not been reported in individuals affected with RET-related hereditary cancer in the literature. This variant has been identified in 6/248582 chromosomes in the general population by the Genome Aggregation Database (gnomAD). The available evidence is insufficient to determine the role of this variant in disease conclusively. Therefore, this variant is classified as a Variant of Uncertain Significance.

This study involves interpretation of variants in research participants for the purpose of population health screening. Participant phenotype was not available at the time of variant classification. Additional details can be found in publication PMID: 35346344, PMCID: PMC8962531

Fulgent Genetics
Classification: Uncertain significance for Hirschsprung disease, susceptibility to, 1; Familial medullary thyroid carcinoma; Multiple endocrine neoplasia type 2B; Pheochromocytoma; Multiple endocrine neoplasia type 2A. Last evaluated: 2024-05-15. Review status: criteria provided, single submitter. Criteria: ACMG Guidelines, 2015. Collection method: clinical testing. Allele origin: germline.

Baylor Genetics
Classification: Uncertain significance for Hirschsprung disease, susceptibility to, 1. Last evaluated: 2023-11-17. Review status: criteria provided, single submitter. Criteria: ACMG Guidelines, 2015. Collection method: clinical testing. Allele origin: unknown.

Ambry Genetics
Classification: Likely benign for Hereditary cancer-predisposing syndrome. Last evaluated: 2023-08-07. Review status: criteria provided, single submitter. Criteria: Ambry Variant Classification Scheme 2023. Collection method: clinical testing. Allele origin: germline.

Literature cited by the submitters: PubMed 24336963 (cited by Ambry Genetics); PubMed 28276298 (cited by Ambry Genetics).